The following is an entry in ClinVar:

ClinVar aggregate classification (germline): Conflicting classifications of pathogenicity. Review status: criteria provided, conflicting classifications (1 of 4 stars). 2 submissions from 2 submitters: Uncertain significance (1); Likely benign (1). Last evaluated 2023-12-18.

Conditions:
Inborn genetic diseases. Identifiers: MedGen C0950123, MeSH D030342.

Allele frequency attached by ClinVar (database versions not stated): ExAC 0.00010; gnomAD 0.00019; ESP Exome Variant Server 0.00046.
gnomAD v4.1: 61 of 1,613,780 alleles (0.0038%); highest among the groups gnomAD compares: African/African-American, 0.075%; no homozygotes.

Submissions (2):

Ambry Genetics
Classification: Likely benign for Inborn genetic diseases. Last evaluated: 2023-12-18. Review status: criteria provided, single submitter. Criteria: Ambry Variant Classification Scheme 2023. Collection method: clinical testing. Allele origin: germline.

Labcorp Genetics (formerly Invitae), Labcorp
Classification: Uncertain significance. Last evaluated: 2022-08-22. Review status: criteria provided, single submitter. Criteria: Invitae Variant Classification Sherloc (09022015). Collection method: clinical testing. Allele origin: germline.
Comment: This sequence change replaces aspartic acid, which is acidic and polar, with glutamic acid, which is acidic and polar, at codon 1779 of the LTBP2 protein (p.Asp1779Glu). This variant is present in population databases (rs150530086, gnomAD 0.09%). This variant has not been reported in the literature in individuals affected with LTBP2-related conditions. Algorithms developed to predict the effect of missense changes on protein structure and function output the following: SIFT: "Tolerated"; PolyPhen-2: "Benign"; Align-GVGD: "Class C0". The glutamic acid amino acid residue is found in multiple mammalian species, which suggests that this missense change does not adversely affect protein function. In summary, the available evidence is currently insufficient to determine the role of this variant in disease. Therefore, it has been classified as a Variant of Uncertain Significance.

NM_000428.3(LTBP2):c.5337T>A (p.Asp1779Glu)

Gene: LTBP2 (latent transforming growth factor beta binding protein 2; minus strand). Cytogenetic location: 14q24.3.
Variant type: single nucleotide variant.
Coding change: c.5337T>A on transcript NM_000428.3 (MANE Select); coding-DNA position 5337, T replaced by A.
Protein change: p.Asp1779Glu; replaces aspartic acid 1779 with glutamic acid.
Molecular consequence: missense variant.
Genome position (GRCh38, 1-based): chr14:74,501,013, A>T on the plus strand (T>A on the coding strand, the complement: LTBP2 is on the minus strand). VCF-style: chr14-74501013-A-T. GRCh37 (hg19) VCF-style: chr14-74967716-A-T.
Other names: c.5337T>A (NM_000428.2); short protein forms D1779E.
Identifiers: ClinVar variation 2184634 (VCV002184634.2), dbSNP rs150530086, ClinGen allele CA7268429.